The following is an entry in ClinVar:

ClinVar aggregate classification (germline): Likely benign. Review status: criteria provided, multiple submitters, no conflicts (2 of 4 stars). 3 submissions from 3 submitters: Likely benign (2). 1 of the submissions does not count toward it. Last evaluated 2019-12-31.

Conditions:
KCNAB2-related disorder. Also called: KCNAB2-related condition.

Allele frequency attached by ClinVar (database versions not stated): gnomAD exomes 0.00008 and 0.00020; 1000 Genomes Project 30x 0.00109; gnomAD 0.00113 and 0.00105; TOPMed 0.00136; ExAC 0.00048; 1000 Genomes Project 0.00120; ESP Exome Variant Server 0.00094.
gnomAD v4.1: 279 of 1,549,094 alleles (0.018%); highest among the groups gnomAD compares: African/African-American, 0.31%; no homozygotes.

Submissions (3):

Labcorp Genetics (formerly Invitae), Labcorp
Classification: Likely benign. Last evaluated: 2019-12-31. Review status: criteria provided, single submitter. Criteria: Invitae Variant Classification Sherloc (09022015). Collection method: clinical testing. Allele origin: germline.

Breakthrough Genomics
Classification: Likely benign. Review status: criteria provided, single submitter. Criteria: ACMG Guidelines, 2015. Collection method: not provided. Allele origin: germline. Inheritance: Unknown mechanism. Affected: yes.

PreventionGenetics, part of Exact Sciences
Classification: Likely benign for KCNAB2-related condition. Last evaluated: 2019-05-20. Review status: no assertion criteria provided. Collection method: clinical testing. Allele origin: germline. Not counted in ClinVar's aggregate classification.
Comment: This variant is classified as likely benign based on ACMG/AMP sequence variant interpretation guidelines (Richards et al. 2015 PMID: 25741868, with internal and published modifications).

NM_001199862.2(KCNAB2):c.498G>A (p.Arg166=)

Gene: KCNAB2 (potassium voltage-gated channel subfamily A regulatory beta subunit 2; plus strand). Cytogenetic location: 1p36.31.
Variant type: single nucleotide variant.
Coding change: c.498G>A on transcript NM_001199862.2 (MANE Select); coding-DNA position 498, G replaced by A.
Protein change: p.Arg166=; no amino-acid change (arginine 166 retained).
Molecular consequence: synonymous variant.
Genome position (GRCh38, 1-based): chr1:6,089,035, G>A. VCF-style: chr1-6089035-G-A. GRCh37 (hg19) VCF-style: chr1-6149095-G-A.
Other names: c.399G>A, p.Arg133= (NM_001199860.2, NM_001199861.2, NM_003636.4); c.198G>A, p.Arg66= (NM_001199863.2); c.357G>A, p.Arg119= (NM_172130.3).
Identifiers: ClinVar variation 783919 (VCV000783919.7), dbSNP rs111569439, ClinGen allele CA555257.